The following is an entry in ClinVar:

NM_001360016.2(G6PD):c.848A>T (p.Asp283Val)

Gene: G6PD (glucose-6-phosphate dehydrogenase; minus strand). Cytogenetic location: Xq28.
Variant type: single nucleotide variant.
Coding change: c.848A>T on transcript NM_001360016.2 (MANE Select); coding-DNA position 848, A replaced by T.
Protein change: p.Asp283Val; replaces aspartic acid 283 with valine.
Molecular consequence: missense variant.
Genome position (GRCh38, 1-based): chrX:154,533,592, T>A on the plus strand (A>T on the coding strand, the complement: G6PD is on the minus strand). VCF-style: chrX-154533592-T-A. GRCh37 (hg19) VCF-style: chrX-153761807-T-A.
Other names: c.938A>T, p.Asp313Val (NM_000402.4); c.848A>T, p.Asp283Val (NM_001042351.3); short protein forms D283V, D313V.
Identifiers: ClinVar variation 445710 (VCV000445710.4), dbSNP rs1557230040, ClinGen allele CA415235104.

ClinVar aggregate classification (germline): Conflicting classifications of pathogenicity. Review status: criteria provided, conflicting classifications (1 of 4 stars). 3 submissions from 3 submitters: Pathogenic (1); Likely pathogenic (1); Uncertain significance (1). Last evaluated 2025-06-05.

Conditions:
Anemia, nonspherocytic hemolytic, due to G6PD deficiency (CNSHA1). Also called: Hemolytic anemia due to G6PD deficiency; Class I glucose-6-phosphate dehydrogenase deficiency; Favism, susceptibility to; ANEMIA, CONGENITAL, NONSPHEROCYTIC HEMOLYTIC, 1. Identifiers: Orphanet 466026, MedGen C2720289, MONDO:0010480, OMIM 300908.

Submissions (3):

Women's Health and Genetics/Laboratory Corporation of America, LabCorp
Classification: Uncertain significance. Last evaluated: 2025-06-05. Review status: criteria provided, single submitter. Criteria: LabCorp Variant Classification Summary - May 2015. Collection method: clinical testing. Allele origin: germline.
Comment: Variant summary: G6PD c.938A>T (p.Asp313Val) results in a non-conservative amino acid change in the encoded protein sequence. Algorithms developed to predict the effect of missense changes on protein structure and function all suggest that this variant is likely to be disruptive. The variant was absent in 183179 control chromosomes. The available data on variant occurrences in the general population are insufficient to allow any conclusion about variant significance. To our knowledge, no occurrence of c.938A>T in individuals affected with Glucose 6 Phosphate Dehydrogenase Deficiency and no experimental evidence demonstrating its impact on protein function have been reported. ClinVar contains an entry for this variant (Variation ID: 445710). Based on the evidence outlined above, the variant was classified as uncertain significance.

Genomic Medicine Center of Excellence, King Faisal Specialist Hospital and Research Centre
Classification: Likely pathogenic for Anemia, nonspherocytic hemolytic, due to G6PD deficiency. Last evaluated: 2024-03-29. Review status: criteria provided, single submitter. Criteria: ACMG Guidelines, 2015. Collection method: clinical testing. Allele origin: germline.

Center for Pediatric Genomic Medicine, Children's Mercy Hospital and Clinics
Classification: Pathogenic. Last evaluated: 2017-04-21. Review status: criteria provided, single submitter. Criteria: ACMG Guidelines, 2015. Collection method: clinical testing. Allele origin: germline.